The following is an entry in ClinVar:

NC_000006.11:g.(?_10402705)_(10415218_?)dup

Gene: TFAP2A (transcription factor AP-2 alpha; minus strand). Cytogenetic location: 6p24.3.
Variant type: Duplication.
Identifiers: ClinVar variation 2424655 (VCV002424655.4).

ClinVar aggregate classification (germline): Uncertain significance (1 of 4 stars; one submission).

Submission:

Labcorp Genetics (formerly Invitae), Labcorp
Classification: Uncertain significance. Last evaluated: 2023-07-07. Review status: criteria provided, single submitter. Criteria: Invitae Variant Classification Sherloc (09022015). Collection method: clinical testing. Allele origin: germline.
Comment: This variant results in a copy number gain of the genomic region encompassing exon(s) 1-5 of the TFAP2A gene. This region includes the initiator codon of the gene. This copy number gain extends beyond the assayed region for this gene and therefore may encompass additional genes. As the precise location of this event is unknown, it may be in tandem or it may be located elsewhere in the genome. This variant has not been reported in the literature in individuals affected with TFAP2A-related conditions. In summary, the available evidence is currently insufficient to determine the role of this variant in disease. Therefore, it has been classified as a Variant of Uncertain Significance.